The following is an entry in ClinVar:

NM_001379610.1(SPINK1):c.194+184T>A

Gene: SPINK1 (serine peptidase inhibitor Kazal type 1; minus strand). Cytogenetic location: 5q32.
Variant type: single nucleotide variant.
Coding change: c.194+184T>A on transcript NM_001379610.1 (MANE Select); 184 bases into the intron after coding-DNA position 194, T replaced by A.
Molecular consequence: intron variant.
Genome position (GRCh38, 1-based): chr5:147,827,838, A>T on the plus strand (T>A on the coding strand, the complement: SPINK1 is on the minus strand). VCF-style: chr5-147827838-A-T. GRCh37 (hg19) VCF-style: chr5-147207401-A-T.
Other names: c.194+184T>A (NM_003122.5, NM_001354966.2).
Identifiers: ClinVar variation 239506 (VCV000239506.12), dbSNP rs114094661, ClinGen allele CA10582405.
Genomic context (GRCh38, chr5:147,827,838, plus strand): 5'-TACTTTATAAAAATCCAAGCTATCGACTATTTTGCTGTAAAAAATATAGGCTTTTATCAT[A>T]CAAGTGACTTCTAAAAAATAATATTTAATGCTAAATATATAAAAGGGAGAATAAGAAAGA-3'

ClinVar aggregate classification (germline): Benign/Likely benign. Review status: criteria provided, multiple submitters, no conflicts (2 of 4 stars). 4 submissions from 4 submitters: Benign (2); Likely benign (2). Last evaluated 2025-11-10.

Conditions:
Hereditary pancreatitis (PCTT). Also called: PRSS1-Related Hereditary Pancreatitis; Hereditary chronic pancreatitis. Identifiers: Orphanet 676, MedGen C0238339, MONDO:0008185, OMIM 167800.

Allele frequency attached by ClinVar (database versions not stated): 1000 Genomes Project 30x 0.00547; 1000 Genomes Project 0.00579; TOPMed 0.00971; gnomAD 0.01007 and 0.01063; gnomAD exomes 0.01295.
gnomAD v4.1: 6,451 of 526,370 alleles (1.2%); highest among the groups gnomAD compares: Non-Finnish European, 1.7%; 69 homozygotes.

Submissions (4):

Labcorp Genetics (formerly Invitae), Labcorp
Classification: Benign for Hereditary pancreatitis. Last evaluated: 2025-11-10. Review status: criteria provided, single submitter. Criteria: Invitae Variant Classification Sherloc (09022015). Collection method: clinical testing. Allele origin: germline.

Ambry Genetics
Classification: Likely benign for Hereditary pancreatitis. Last evaluated: 2024-01-05. Review status: criteria provided, single submitter. Criteria: Ambry Variant Classification Scheme 2023. Collection method: clinical testing. Allele origin: germline.

KCCC/NGS Laboratory, Kuwait Cancer Control Center
Classification: Benign for Hereditary pancreatitis. Last evaluated: 2023-07-07. Review status: criteria provided, single submitter. Criteria: ACMG Guidelines, 2015. Collection method: clinical testing. Allele origin: germline. Affected: yes.

GeneDx
Classification: Likely benign. Last evaluated: 2018-07-06. Review status: criteria provided, single submitter. Criteria: GeneDx Variant Classification Process June 2021. Collection method: clinical testing. Allele origin: germline. Affected: yes.
Comment: This variant is associated with the following publications: (PMID: 10982753, 28472998)

Literature cited by the submitters: PubMed 10982753 (cited by Ambry Genetics); PubMed 26719302 (cited by Ambry Genetics).